The following is an entry in ClinVar:

ClinVar aggregate classification (germline): Likely benign. Review status: criteria provided, multiple submitters, no conflicts (2 of 4 stars). 5 submissions from 5 submitters: Likely benign (4). 1 of the submissions does not count toward it. Last evaluated 2025-12-03.

Conditions:
FOXN1-related disorder. Also called: FOXN1-related condition.
T-cell immunodeficiency, congenital alopecia, and nail dystrophy. Also called: Congenital alopecia and nail dystrophy associated with severe functional T-cell immunodeficiency; Pignata Guarino syndrome. Identifiers: Orphanet 169095, MedGen C1866426, MONDO:0011132, OMIM 601705.

Allele frequency attached by ClinVar (database versions not stated): ExAC 0.00001; gnomAD 0.00001; gnomAD exomes 0.00001 and 0.00002.
gnomAD v4.1: 24 of 1,613,704 alleles (0.0015%); highest among the groups gnomAD compares: Middle Eastern, 0.049%; no homozygotes.

Submissions (5):

Labcorp Genetics (formerly Invitae), Labcorp
Classification: Likely benign for T-cell immunodeficiency, congenital alopecia, and nail dystrophy. Last evaluated: 2025-12-03. Review status: criteria provided, single submitter. Criteria: Invitae Variant Classification Sherloc (09022015). Collection method: clinical testing. Allele origin: germline.

CeGaT Center for Human Genetics Tuebingen
Classification: Likely benign. Last evaluated: 2025-06-01. Review status: criteria provided, single submitter. Criteria: CeGaT Center For Human Genetics Tuebingen Variant Classification Criteria Version 2. Collection method: clinical testing. Allele origin: germline. Affected: yes. Observed: 1 variant allele.
Comment: FOXN1: BP4, BP7

Blueprint Genetics
Classification: Likely benign. Last evaluated: 2024-09-11. Review status: criteria provided, single submitter. Criteria: ACMG Guidelines, 2015. Collection method: clinical testing. Allele origin: germline.

Breakthrough Genomics
Classification: Likely benign. Review status: criteria provided, single submitter. Criteria: ACMG Guidelines, 2015. Collection method: not provided. Allele origin: germline. Inheritance: Autosomal recessive inheritance. Affected: yes.

PreventionGenetics, part of Exact Sciences
Classification: Likely benign for FOXN1-related condition. Last evaluated: 2024-02-26. Review status: no assertion criteria provided. Collection method: clinical testing. Allele origin: germline. Not counted in ClinVar's aggregate classification.
Comment: This variant is classified as likely benign based on ACMG/AMP sequence variant interpretation guidelines (Richards et al. 2015 PMID: 25741868, with internal and published modifications).

NM_001369369.1(FOXN1):c.183C>T (p.Pro61=)

Gene: FOXN1 (forkhead box N1; plus strand). Cytogenetic location: 17q11.2.
Variant type: single nucleotide variant.
Coding change: c.183C>T on transcript NM_001369369.1 (MANE Select); coding-DNA position 183, C replaced by T.
Protein change: p.Pro61=; no amino-acid change (proline 61 retained).
Molecular consequence: synonymous variant.
Genome position (GRCh38, 1-based): chr17:28,524,562, C>T. VCF-style: chr17-28524562-C-T. GRCh37 (hg19) VCF-style: chr17-26851580-C-T.
Other names: c.183C>T (NM_003593.2); c.183C>T, p.Pro61= (NM_003593.3).
Identifiers: ClinVar variation 1111495 (VCV001111495.21), dbSNP rs552574496, ClinGen allele CA8459172.
Genomic context (GRCh38, chr17:28,524,562, plus strand): 5'-GAAGCATGCCGGCTTCAGCTGCTCGTCATTTGTGTCCGACGGCCCTCCAGAGAGGACACC[C>T]TCACTGCCCCCACACAGCCCCCGCATTGCGTCACCAGGGCCCGAGCAAGTCCAGGGCCAC-3'
Protein context (NP_001356298.1, residues 51-71): FVSDGPPERT[Pro61=]SLPPHSPRIA